The following is an entry in ClinVar:

ClinVar aggregate classification (germline): Likely benign (1 of 4 stars; one submission).

Conditions:
Sialidosis type 2. Also called: NEURAMINIDASE DEFICIENCY; GLYCOPROTEIN NEURAMINIDASE DEFICIENCY; LIPOMUCOPOLYSACCHARIDOSIS; ML I; NEU DEFICIENCY; NEUG DEFICIENCY. Identifiers: Orphanet 812, Orphanet 87876, MedGen C4282398, MONDO:0009738, OMIM 256550.

Allele frequency attached by ClinVar (database versions not stated): 1000 Genomes Project 30x 0.00062; 1000 Genomes Project 0.00080; gnomAD 0.00173 and 0.00175; gnomAD exomes 0.00182; TOPMed 0.00217.

Submission:

Illumina Laboratory Services, Illumina
Classification: Likely benign for Sialidosis type 2. Last evaluated: 2018-01-13. Review status: criteria provided, single submitter. Criteria: ICSL Variant Classification Criteria 13 December 2019. Collection method: clinical testing. Allele origin: germline.
Comment: This variant was observed in the ICSL laboratory as part of a predisposition screen in an ostensibly healthy population. It had not been previously curated by ICSL or reported in the Human Gene Mutation Database (HGMD: prior to June 1st, 2018), and was therefore a candidate for classification through an automated scoring system. Utilizing variant allele frequency, disease prevalence and penetrance estimates, and inheritance mode, an automated score was calculated to assess if this variant is too frequent to cause the disease. Based on the score and internal cut-off values, a variant classified as likely benign is not then subjected to further curation. The score for this variant resulted in a classification of likely benign for this disease.

NM_000434.4(NEU1):c.*445T>G

Gene: NEU1 (neuraminidase 1; minus strand). Cytogenetic location: 6p21.33.
Variant type: single nucleotide variant.
Coding change: c.*445T>G on transcript NM_000434.4 (MANE Select); 445 bases downstream of the stop codon, T replaced by G.
Molecular consequence: 3 prime UTR variant.
Genome position (GRCh38, 1-based): chr6:31,859,274, A>C on the plus strand (T>G on the coding strand, the complement: NEU1 is on the minus strand). VCF-style: chr6-31859274-A-C. GRCh37 (hg19) VCF-style: chr6-31827051-A-C.
Identifiers: ClinVar variation 356227 (VCV000356227.5), dbSNP rs113824527, ClinGen allele CA10626590.